The following is an entry in ClinVar:

ClinVar aggregate classification (germline): Likely pathogenic (1 of 4 stars; one submission).

Conditions:
Joubert syndrome. Also called: CEREBELLOPARENCHYMAL DISORDER IV; JOUBERT-BOLTSHAUSER SYNDROME; Familial aplasia of the vermis. Identifiers: Orphanet 475, MedGen C5979921, MONDO:0018772.
Meckel-Gruber syndrome. Also called: DYSENCEPHALIA SPLANCHNOCYSTICA; GRUBER SYNDROME; Dysencephalia splachnocystica. Identifiers: Orphanet 564, MedGen C0265215, MONDO:0018921.

Submission:

Labcorp Genetics (formerly Invitae), Labcorp
Classification: Likely pathogenic for Joubert syndrome; Meckel-Gruber syndrome. Last evaluated: 2022-03-18. Review status: criteria provided, single submitter. Criteria: Invitae Variant Classification Sherloc (09022015). Collection method: clinical testing. Allele origin: germline.
Comment: In summary, the currently available evidence indicates that the variant is pathogenic, but additional data are needed to prove that conclusively. Therefore, this variant has been classified as Likely Pathogenic. This variant has not been reported in the literature in individuals affected with TCTN1-related conditions. This variant results in the deletion of exon 11 and part of exon 12 of the TCTN1 gene. It is expected to disrupt RNA splicing. Variants that disrupt the donor or acceptor splice site typically lead to a loss of protein function (PMID: 16199547), and loss-of-function variants in TCTN1 are known to be pathogenic (PMID: 21725307, 22693042, 27894351).

Literature cited by the submitters: PubMed 16199547; PubMed 21725307; PubMed 22693042; PubMed 27894351.

NC_000012.11:g.(?_111079754)_(111082915_?)del

Gene: TCTN1 (tectonic family member 1; plus strand). Cytogenetic location: 12q24.11.
Variant type: Deletion.
Identifiers: ClinVar variation 2423666 (VCV002423666.6).